The following is an entry in ClinVar:

NM_016239.4(MYO15A):c.7899_7900del (p.Glu2635fs)

Gene: MYO15A (myosin XVA; plus strand). Cytogenetic location: 17p11.2.
Variant type: Deletion.
Coding change: c.7899_7900del on transcript NM_016239.4 (MANE Select); coding-DNA positions 7899 to 7900, 2 bases deleted (CA; older notation c.7899_7900delCA).
Protein change: p.Glu2635fs; shifts the reading frame from glutamic acid 2635.
Molecular consequence: frameshift variant.
Genome position (GRCh38, 1-based): chr17:18,152,117-18,152,118, CA deleted. VCF-style (leftmost placement, unchanged base first): chr17-18152116-CCA-C. GRCh37 (hg19) VCF-style: chr17-18055430-CCA-C.
Other names: short protein forms E2635fs.
Identifiers: ClinVar variation 4819149 (VCV004819149.1).

ClinVar aggregate classification (germline): Pathogenic (1 of 4 stars; one submission).

Conditions:
Autosomal recessive nonsyndromic hearing loss 3. Also called: NEUROSENSORY NONSYNDROMIC RECESSIVE DEAFNESS 3. Identifiers: Orphanet 90636, MedGen C1838263, MONDO:0010860, OMIM 600316.

Submission:

Institute of Human Genetics, University of Leipzig Medical Center
Classification: Pathogenic for Autosomal recessive nonsyndromic hearing loss 3. Last evaluated: 2026-01-21. Review status: criteria provided, single submitter. Criteria: ACMG Guidelines, 2015. Collection method: clinical testing. Allele origin: unknown. Inheritance: Autosomal recessive inheritance. Affected: yes.
Comment: Criteria applied: PVS1,PM2